The following is an entry in ClinVar:

NM_030973.4(MED25):c.1438del (p.Leu480fs)

Gene: MED25 (mediator complex subunit 25; plus strand). Cytogenetic location: 19q13.33.
Variant type: Deletion.
Coding change: c.1438del on transcript NM_030973.4 (MANE Select); coding-DNA position 1438, one base deleted (C; older notation c.1438delC).
Protein change: p.Leu480fs; shifts the reading frame from leucine 480.
Molecular consequence: frameshift variant.
Genome position (GRCh38, 1-based): chr19:49,832,371, C deleted; the last of 2 consecutive C bases (chr19:49,832,370-49,832,371); deleting either gives the same sequence. VCF-style (leftmost placement, unchanged base first): chr19-49832369-AC-A. GRCh37 (hg19) VCF-style: chr19-50335626-AC-A.
Other names: c.1438del, p.Leu480fs (NM_001378355.1); short protein forms L480fs.
Identifiers: ClinVar variation 1401875 (VCV001401875.3), dbSNP rs2123882986, ClinGen allele CA2573156606.

ClinVar aggregate classification (germline): Uncertain significance (1 of 4 stars; one submission).

Conditions:
Charcot-Marie-Tooth disease type 2. Also called: Charcot-Marie-Tooth type 2. Identifiers: Orphanet 64746, MedGen C0270914, MONDO:0018993.

Submission:

Labcorp Genetics (formerly Invitae), Labcorp
Classification: Uncertain significance for Charcot-Marie-Tooth disease type 2. Last evaluated: 2022-06-19. Review status: criteria provided, single submitter. Criteria: Invitae Variant Classification Sherloc (09022015). Collection method: clinical testing. Allele origin: germline.
Comment: This sequence change creates a premature translational stop signal (p.Leu480Trpfs*117) in the MED25 gene. It is expected to result in an absent or disrupted protein product. However, the current clinical and genetic evidence is not sufficient to establish whether loss-of-function variants in MED25 cause disease. This variant is not present in population databases (gnomAD no frequency). This variant has not been reported in the literature in individuals affected with MED25-related conditions. In summary, the available evidence is currently insufficient to determine the role of this variant in disease. Therefore, it has been classified as a Variant of Uncertain Significance.